The following is an entry in ClinVar:

NM_031372.4(HNRNPDL):c.998G>A (p.Gly333Asp)

Gene: HNRNPDL (heterogeneous nuclear ribonucleoprotein D like; minus strand). Cytogenetic location: 4q21.22.
Variant type: single nucleotide variant.
Coding change: c.998G>A on transcript NM_031372.4 (MANE Select); coding-DNA position 998, G replaced by A.
Protein change: p.Gly333Asp; replaces glycine 333 with aspartic acid.
Molecular consequence: missense variant. On other transcripts: non-coding transcript variant (1).
Genome position (GRCh38, 1-based): chr4:82,427,213, C>T on the plus strand (G>A on the coding strand, the complement: HNRNPDL is on the minus strand). VCF-style: chr4-82427213-C-T. GRCh37 (hg19) VCF-style: chr4-83348366-C-T.
Other names: c.998G>A, p.Gly333Asp (NM_001207000.1); short protein forms G333D.
Identifiers: ClinVar variation 2104129 (VCV002104129.4), dbSNP rs2530013765, ClinGen allele CA357169461.

ClinVar aggregate classification (germline): Uncertain significance (1 of 4 stars; one submission).

Conditions:
Autosomal dominant limb-girdle muscular dystrophy type 1G (LGMDD3). Also called: Limb-girdle muscular dystrophy, type 1G; MUSCULAR DYSTROPHY, LIMB-GIRDLE, AUTOSOMAL DOMINANT 3. Identifiers: Orphanet 55596, MedGen C1836765, MONDO:0012193, OMIM 609115.

Allele frequency attached by ClinVar (database versions not stated): gnomAD exomes below 0.00001.
gnomAD v4.1: 1 of 1,613,468 alleles (0.000062%); highest among the groups gnomAD compares: Non-Finnish European, 0.000085%; no homozygotes.

Submission:

Labcorp Genetics (formerly Invitae), Labcorp
Classification: Uncertain significance for Autosomal dominant limb-girdle muscular dystrophy type 1G. Last evaluated: 2022-02-27. Review status: criteria provided, single submitter. Criteria: Invitae Variant Classification Sherloc (09022015). Collection method: clinical testing. Allele origin: germline.
Comment: This sequence change replaces glycine, which is neutral and non-polar, with aspartic acid, which is acidic and polar, at codon 333 of the HNRNPDL protein (p.Gly333Asp). This variant is not present in population databases (gnomAD no frequency). In summary, the available evidence is currently insufficient to determine the role of this variant in disease. Therefore, it has been classified as a Variant of Uncertain Significance. Algorithms developed to predict the effect of sequence changes on RNA splicing suggest that this variant may create or strengthen a splice site. Algorithms developed to predict the effect of missense changes on protein structure and function are either unavailable or do not agree on the potential impact of this missense change (SIFT: "Deleterious"; PolyPhen-2: "Benign"; Align-GVGD: "Class C65"). This variant has not been reported in the literature in individuals affected with HNRNPDL-related conditions.